The following is an entry in ClinVar:

NM_005993.5(TBCD):c.866A>G (p.Asn289Ser)

Gene: TBCD (tubulin folding cofactor D). Cytogenetic location: 17q25.3.
Variant type: single nucleotide variant.
Coding change: c.866A>G on transcript NM_005993.5 (MANE Select); coding-DNA position 866, A replaced by G.
Protein change: p.Asn289Ser; replaces asparagine 289 with serine.
Molecular consequence: missense variant.
Genome position (GRCh38, 1-based): chr17:82,800,912, A>G. VCF-style: chr17-82800912-A-G. GRCh37 (hg19) VCF-style: chr17-80758788-A-G.
Other names: c.815A>G, p.Asn272Ser (NM_001411101.1); c.866A>G, p.Asn289Ser (NM_001411102.1); short protein forms N289S, N272S.
Identifiers: ClinVar variation 2099948 (VCV002099948.4), dbSNP rs2510814044, ClinGen allele CA401633524.

ClinVar aggregate classification (germline): Uncertain significance (1 of 4 stars; one submission).

Submission:

Labcorp Genetics (formerly Invitae), Labcorp
Classification: Uncertain significance. Last evaluated: 2022-10-18. Review status: criteria provided, single submitter. Criteria: Invitae Variant Classification Sherloc (09022015). Collection method: clinical testing. Allele origin: germline.
Comment: In summary, the available evidence is currently insufficient to determine the role of this variant in disease. Therefore, it has been classified as a Variant of Uncertain Significance. Advanced modeling of protein sequence and biophysical properties (such as structural, functional, and spatial information, amino acid conservation, physicochemical variation, residue mobility, and thermodynamic stability) performed at Invitae indicates that this missense variant is not expected to disrupt TBCD protein function. This variant has not been reported in the literature in individuals affected with TBCD-related conditions. This variant is not present in population databases (gnomAD no frequency). This sequence change replaces asparagine, which is neutral and polar, with serine, which is neutral and polar, at codon 289 of the TBCD protein (p.Asn289Ser).